The following is an entry in ClinVar:

ClinVar aggregate classification (germline): Benign/Likely benign. Review status: criteria provided, multiple submitters, no conflicts (2 of 4 stars). 3 submissions from 3 submitters: Benign (1); Likely benign (1). 1 of the submissions does not count toward it. Last evaluated 2026-01-20.

Conditions:
CAD-related disorder. Also called: CAD-related condition.

Allele frequency attached by ClinVar (database versions not stated): gnomAD exomes 0.00008 and 0.00037; gnomAD 0.00012 and 0.00015; TOPMed 0.00018; ExAC 0.00033; 1000 Genomes Project 30x 0.00062; 1000 Genomes Project 0.00080.
gnomAD v4.1: 172 of 1,614,060 alleles (0.011%); highest among the groups gnomAD compares: East Asian, 0.29%; 1 homozygote.

Submissions (3):

Labcorp Genetics (formerly Invitae), Labcorp
Classification: Benign. Last evaluated: 2026-01-20. Review status: criteria provided, single submitter. Criteria: Invitae Variant Classification Sherloc (09022015). Collection method: clinical testing. Allele origin: germline.

Blueprint Genetics
Classification: Likely benign. Last evaluated: 2024-11-21. Review status: criteria provided, single submitter. Criteria: ACMG Guidelines, 2015. Collection method: clinical testing. Allele origin: germline.

PreventionGenetics, part of Exact Sciences
Classification: Likely benign for CAD-related condition. Last evaluated: 2024-08-12. Review status: no assertion criteria provided. Collection method: clinical testing. Allele origin: germline. Not counted in ClinVar's aggregate classification.
Comment: This variant is classified as likely benign based on ACMG/AMP sequence variant interpretation guidelines (Richards et al. 2015 PMID: 25741868, with internal and published modifications).

NM_004341.5(CAD):c.4065T>C (p.His1355=)

Gene: CAD (carbamoyl-phosphate synthetase 2, aspartate transcarbamylase, and dihydroorotase; plus strand). Cytogenetic location: 2p23.3.
Variant type: single nucleotide variant.
Coding change: c.4065T>C on transcript NM_004341.5 (MANE Select); coding-DNA position 4065, T replaced by C.
Protein change: p.His1355=; no amino-acid change (histidine 1355 retained).
Molecular consequence: synonymous variant.
Genome position (GRCh38, 1-based): chr2:27,235,631, T>C. VCF-style: chr2-27235631-T-C. GRCh37 (hg19) VCF-style: chr2-27458499-T-C.
Other names: c.3876T>C, p.His1292= (NM_001306079.2).
Identifiers: ClinVar variation 731072 (VCV000731072.12), dbSNP rs202167749, ClinGen allele CA1573419.